The following is an entry in ClinVar:

NM_000053.4(ATP7B):c.3934C>G (p.His1312Asp)

Gene: ATP7B (ATPase copper transporting beta; minus strand). Cytogenetic location: 13q14.3.
Variant type: single nucleotide variant.
Coding change: c.3934C>G on transcript NM_000053.4 (MANE Select); coding-DNA position 3934, C replaced by G.
Protein change: p.His1312Asp; replaces histidine 1312 with aspartic acid.
Molecular consequence: missense variant.
Genome position (GRCh38, 1-based): chr13:51,937,363, G>C on the plus strand (C>G on the coding strand, the complement: ATP7B is on the minus strand). VCF-style: chr13-51937363-G-C. GRCh37 (hg19) VCF-style: chr13-52511499-G-C.
Other names: c.3313C>G, p.His1105Asp (NM_001005918.3); c.3601C>G, p.His1201Asp (NM_001243182.2); c.3700C>G, p.His1234Asp (NM_001330578.2, NM_001406527.1, NM_001406528.1); c.3682C>G, p.His1228Asp (NM_001330579.2, NM_001406531.1, NM_001406532.1); c.3934C>G, p.His1312Asp (NM_001406511.1, NM_001406512.1); c.3928C>G, p.His1310Asp (NM_001406513.1); c.3901C>G, p.His1301Asp (NM_001406514.1); c.3880C>G, p.His1294Asp (NM_001406515.1, NM_001406516.1); and 21 more; short protein forms H1031D, H1085D, H1096D, H1105D, H1118D, H1148D, H1150D, H1163D.
Identifiers: ClinVar variation 3387330 (VCV003387330.1).
Genomic context (GRCh38, chr13:51,937,363, plus strand): 5'-TATAAATCAGTGCCAGGACCAGGTTGATGCGTATCCTTCGGACAGTCCTCTTGGAAAGGT[G>C]AATGCTAGCCACCACATCCAGCAAATCATTCTGATGGAGAGGAGCACACAGTGAGGAAGG-3'
Protein context (NP_000044.2, residues 1302-1322): NDLLDVVASI[His1312Asp]LSKRTVRRIR

ClinVar aggregate classification (germline): Uncertain significance (1 of 4 stars; one submission).

Conditions:
Wilson disease (WND). Also called: Wilson's disease. Identifiers: Orphanet 905, MedGen C0019202, MONDO:0010200, OMIM 277900. Disease mechanism: loss of function.

Submission:

All of Us Research Program, National Institutes of Health
Classification: Uncertain significance for Wilson disease. Last evaluated: 2024-05-14. Review status: criteria provided, single submitter. Criteria: ACMG Guidelines, 2015. Collection method: clinical testing. Allele origin: germline. Inheritance: Autosomal recessive inheritance. Observed: 1 variant allele, 1 heterozygote.
Comment: This missense variant replaces histidine with aspartic acid at codon 1312 of the ATP7B protein. Computational prediction suggests that this variant may not impact protein structure and function (internally defined REVEL score threshold <= 0.5, PMID: 27666373). To our knowledge, functional studies have not been reported for this variant. This variant has not been reported in individuals affected with ATP7B-related disorders in the literature. This variant has not been identified in the general population by the Genome Aggregation Database (gnomAD). The available evidence is insufficient to determine the role of this variant in disease conclusively. Therefore, this variant is classified as a Variant of Uncertain Significance.

This study involves interpretation of variants in research participants for the purpose of population health screening. Participant phenotype was not available at the time of variant classification. Additional details can be found in publication PMID: 35346344, PMCID: PMC8962531